The following is an entry in ClinVar:

NM_012301.4(MAGI2):c.4329C>G (p.Pro1443=)

Gene: MAGI2 (membrane associated guanylate kinase, WW and PDZ domain containing 2; minus strand). Cytogenetic location: 7q21.11.
Variant type: single nucleotide variant.
Coding change: c.4329C>G on transcript NM_012301.4 (MANE Select); coding-DNA position 4329, C replaced by G.
Protein change: p.Pro1443=; no amino-acid change (proline 1443 retained).
Molecular consequence: synonymous variant.
Genome position (GRCh38, 1-based): chr7:78,019,354, G>C on the plus strand (C>G on the coding strand, the complement: MAGI2 is on the minus strand). VCF-style: chr7-78019354-G-C. GRCh37 (hg19) VCF-style: chr7-77648671-G-C.
Other names: p.Pro1443=; c.4287C>G, p.Pro1429= (NM_001301128.2).
Identifiers: ClinVar variation 95514 (VCV000095514.25), dbSNP rs13438302, ClinGen allele CA148583.
Genomic context (GRCh38, chr7:78,019,354, plus strand): 5'-GGTTGGCCGTGGCCGCGCGGCTCATCTGCTGGCGGCCGAGGCGCCGGGTTTGAGGACGCT[G>C]GGCAGCTTGTCAGAACCCGGCACCTTCCAGGGCCCCGGCGCGACGGCGGCCTTGCGCGCC-3'
Protein context (NP_036433.2, residues 1433-1453): PWKVPGSDKL[Pro1443=]SVLKPGASAA

ClinVar aggregate classification (germline): Benign. Review status: criteria provided, multiple submitters, no conflicts (2 of 4 stars). 9 submissions from 9 submitters: Benign (9). Last evaluated 2026-02-03.

Conditions:
Nephrotic syndrome 15. Identifiers: MedGen C4539896, MONDO:0033262, OMIM 617609.

Allele frequency attached by ClinVar (database versions not stated): ESP Exome Variant Server 0.18467; gnomAD 0.29174 and 0.29799; TOPMed 0.30869; ExAC 0.34185; 1000 Genomes Project 30x 0.40490; 1000 Genomes Project 0.41234.
gnomAD v4.1: 353,159 of 1,508,894 alleles (23%); highest among the groups gnomAD compares: East Asian, 65%; 48,992 homozygotes.

Submissions (9):

Labcorp Genetics (formerly Invitae), Labcorp
Classification: Benign. Last evaluated: 2026-02-03. Review status: criteria provided, single submitter. Criteria: Invitae Variant Classification Sherloc (09022015). Collection method: clinical testing. Allele origin: germline.

Blueprint Genetics
Classification: Benign. Last evaluated: 2024-11-27. Review status: criteria provided, single submitter. Criteria: ACMG Guidelines, 2015. Collection method: clinical testing. Allele origin: germline.

Unidad de Genómica Garrahan, Hospital de Pediatría Garrahan
Classification: Benign. Last evaluated: 2024-07-15. Review status: criteria provided, single submitter. Criteria: ACMG Guidelines, 2015. Collection method: clinical testing. Allele origin: germline. Affected: no. Observed: 47 variant alleles.
Comment: This variant is classified as Benign based on local population frequency. This variant was detected in 51% of patients studied in a panel designed for Epileptic and Developmental Encephalopathy and Progressive Myoclonus Epilepsy. Number of patients: 47. Only high quality variants are reported.

Mayo Clinic Laboratories, Mayo Clinic
Classification: Benign. Last evaluated: 2022-03-09. Review status: criteria provided, single submitter. Criteria: ACMG Guidelines, 2015. Collection method: clinical testing. Allele origin: germline. Observed: 80 variant alleles.

Genome-Nilou Lab
Classification: Benign for Nephrotic syndrome 15. Last evaluated: 2021-09-05. Review status: criteria provided, single submitter. Criteria: ACMG Guidelines, 2015. Collection method: clinical testing. Allele origin: germline. Affected: no.

GeneDx
Classification: Benign. Last evaluated: 2019-11-20. Review status: criteria provided, single submitter. Criteria: GeneDx Variant Classification Process June 2021. Collection method: clinical testing. Allele origin: germline. Affected: yes.

Eurofins Ntd Llc (ga)
Classification: Benign. Last evaluated: 2018-03-01. Review status: criteria provided, single submitter. Criteria: EGL ClinVar v180209 classification definitions. Collection method: clinical testing. Allele origin: germline. Observed: 251 variant alleles, 195 heterozygotes, 56 homozygotes.

Genetic Services Laboratory, University of Chicago
Classification: Benign for AllHighlyPenetrant. Last evaluated: 2013-10-22. Review status: criteria provided, single submitter. Criteria: ACMG Guidelines, 2007. Collection method: clinical testing. Allele origin: germline. Inheritance: Autosomal dominant inheritance.

Breakthrough Genomics
Classification: Benign. Review status: criteria provided, single submitter. Criteria: ACMG Guidelines, 2015. Collection method: not provided. Allele origin: germline. Inheritance: Autosomal recessive inheritance. Affected: yes.